The following is an entry in ClinVar:

NM_001184880.2(PCDH19):c.1982A>C (p.Tyr661Ser)

Gene: PCDH19 (protocadherin 19; minus strand). Cytogenetic location: Xq22.1.
Variant type: single nucleotide variant.
Coding change: c.1982A>C on transcript NM_001184880.2 (MANE Select); coding-DNA position 1982, A replaced by C.
Protein change: p.Tyr661Ser; replaces tyrosine 661 with serine.
Molecular consequence: missense variant.
Genome position (GRCh38, 1-based): chrX:100,406,616, T>G on the plus strand (A>C on the coding strand, the complement: PCDH19 is on the minus strand). VCF-style: chrX-100406616-T-G. GRCh37 (hg19) VCF-style: chrX-99661614-T-G.
Other names: c.1982A>C, p.Tyr661Ser (NM_001105243.2, NM_020766.3); short protein forms Y661S.
Identifiers: ClinVar variation 1053902 (VCV001053902.11), dbSNP rs1928354837, ClinGen allele CA414001549.

ClinVar aggregate classification (germline): Uncertain significance. Review status: criteria provided, multiple submitters, no conflicts (2 of 4 stars). 3 submissions from 3 submitters: Uncertain significance (3). Last evaluated 2024-02-13.

Conditions:
Developmental and epileptic encephalopathy, 9 (DEE9). Also called: EPILEPSY, FEMALE-RESTRICTED, WITH MENTAL RETARDATION; JUBERG-HELLMAN SYNDROME; Early infantile epileptic encephalopathy 9; PCDH19-Related X-Linked Female-Limited Epilepsy with Mental Retardation. Identifiers: Orphanet 101039, Orphanet 2076, MedGen C1848137, MONDO:0010246, OMIM 300088. Disease mechanism: loss of function.

Allele frequency attached by ClinVar (database versions not stated): TOPMed below 0.00001; gnomAD 0.00001.
gnomAD v4.1: 34 of 1,209,296 alleles (0.0028%); highest among the groups gnomAD compares: Non-Finnish European, 0.0037%; no homozygotes.

Submissions (3):

GeneDx
Classification: Uncertain significance. Last evaluated: 2024-02-13. Review status: criteria provided, single submitter. Criteria: GeneDx Variant Classification Process June 2021. Collection method: clinical testing. Allele origin: germline. Affected: yes.
Comment: Not observed at significant frequency in large population cohorts (gnomAD); Missense variants in this gene are a common cause of disease and they are underrepresented in the general population; In silico analysis supports that this missense variant does not alter protein structure/function; Has not been previously published as pathogenic or benign to our knowledge

Labcorp Genetics (formerly Invitae), Labcorp
Classification: Uncertain significance for Developmental and epileptic encephalopathy, 9. Last evaluated: 2023-11-13. Review status: criteria provided, single submitter. Criteria: Invitae Variant Classification Sherloc (09022015). Collection method: clinical testing. Allele origin: germline.
Comment: This sequence change replaces tyrosine, which is neutral and polar, with serine, which is neutral and polar, at codon 661 of the PCDH19 protein (p.Tyr661Ser). This variant is not present in population databases (gnomAD no frequency). This variant has not been reported in the literature in individuals affected with PCDH19-related conditions. ClinVar contains an entry for this variant (Variation ID: 1053902). Advanced modeling of protein sequence and biophysical properties (such as structural, functional, and spatial information, amino acid conservation, physicochemical variation, residue mobility, and thermodynamic stability) performed at Invitae indicates that this missense variant is not expected to disrupt PCDH19 protein function with a negative predictive value of 95%. In summary, the available evidence is currently insufficient to determine the role of this variant in disease. Therefore, it has been classified as a Variant of Uncertain Significance.

Victorian Clinical Genetics Services, Murdoch Childrens Research Institute
Classification: Uncertain significance for Developmental and epileptic encephalopathy, 9. Last evaluated: 2019-08-28. Review status: criteria provided, single submitter. Criteria: ACMG Guidelines, 2015. Collection method: clinical testing. Allele origin: germline. Inheritance: Unknown mechanism.
Comment: A hemizygous missense variant, NM_001184880.1(PCDH19):c.1982A>C, has been identified in exon 1 of 6 of the PCDH19 gene. The variant is predicted to result in a major amino acid change from tyrosine to serine at position 661 of the protein (NP_001171809.1(PCDH19):p.(Tyr661Ser)). The tyrosine residue at this position has high conservation (100 vertebrates, UCSC), and is located within the Cadherin tandem repeat 6 domain. In silico predictions of pathogenicity for this variant are conflicting (Polyphen, SIFT, CADD, Mutation Taster). The variant is absent in population databases (gnomAD, dbSNP, 1000G). This variant has not been previously reported in clinical cases. Based on the information available at the time of curation, this variant has been classified as VARIANT of UNCERTAIN SIGNIFICANCE (VUS) with POTENTIAL CLINICAL RELEVANCE.